The following is an entry in ClinVar:

ClinVar aggregate classification (germline): Conflicting classifications of pathogenicity. Review status: criteria provided, conflicting classifications (1 of 4 stars). 18 submissions from 18 submitters: Uncertain significance (7); Likely benign (7). 4 of the submissions do not count toward it. Last evaluated 2025-06-19.

Conditions:
Dilated cardiomyopathy 1G (CMD1G). Identifiers: Orphanet 154, MedGen C1858763, MONDO:0011400, OMIM 604145.
Autosomal recessive limb-girdle muscular dystrophy type 2J (LGMDR10). Also called: MUSCULAR DYSTROPHY, LIMB-GIRDLE, AUTOSOMAL RECESSIVE 10; Limb-girdle muscular dystrophy, type 2J. Identifiers: Orphanet 140922, MedGen C1837342, MONDO:0012127, OMIM 608807.
Cardiovascular phenotype. Identifiers: MedGen CN230736.
TTN-related disorder. Also called: TTN-related disorders; TTN-related condition; TTN-related disease.
Cardiomyopathy (CMYO). Also called: Cardiomyopathies. Identifiers: Orphanet 167848, MedGen C0878544, MONDO:0004994, HP:0001638. Inheritance: Various modes of inheritance.

Allele frequency attached by ClinVar (database versions not stated): ExAC 0.00022; TOPMed 0.00027; gnomAD exomes 0.00041 and 0.00032; ESP Exome Variant Server 0.00008; gnomAD 0.00035.

Submissions (18):

Revvity Omics, Revvity
Classification: Likely benign. Last evaluated: 2025-06-19. Review status: criteria provided, single submitter. Criteria: ACMG Guidelines, 2015. Collection method: clinical testing. Allele origin: germline.

PreventionGenetics, part of Exact Sciences
Classification: Likely benign for TTN-related condition. Last evaluated: 2025-04-17. Review status: criteria provided, single submitter. Criteria: ACMG Guidelines, 2015. Collection method: clinical testing. Allele origin: germline.
Comment: This variant is classified as likely benign based on ACMG/AMP sequence variant interpretation guidelines (Richards et al. 2015 PMID: 25741868, with internal and published modifications).

Molecular Diagnostic Laboratory for Inherited Cardiovascular Disease, Montreal Heart Institute
Classification: Likely benign. Last evaluated: 2025-04-09. Review status: criteria provided, single submitter. Criteria: ACMG Guidelines, 2015. Collection method: clinical testing. Allele origin: germline. Affected: no.

CeGaT Center for Human Genetics Tuebingen
Classification: Uncertain significance. Last evaluated: 2024-12-01. Review status: criteria provided, single submitter. Criteria: CeGaT Center For Human Genetics Tuebingen Variant Classification Criteria Version 2. Collection method: clinical testing. Allele origin: germline. Affected: yes. Observed: 1 variant allele.
Comment: TTN: PM2

Women's Health and Genetics/Laboratory Corporation of America, LabCorp
Classification: Likely benign. Last evaluated: 2024-11-11. Review status: criteria provided, single submitter. Criteria: LabCorp Variant Classification Summary - May 2015. Collection method: clinical testing. Allele origin: germline.
Comment: Variant summary: TTN c.49508T>C (p.Ile16503Thr), also reported as NM_001267550:c.57212T>C (p.Ile19071Thr), results in a non-conservative amino acid change located in the A-band region of the encoded protein sequence. Three of four in-silico tools predict a benign effect of the variant on protein function. The variant allele was found at a frequency of 0.00039 in 1613430 control chromosomes, predominantly at a frequency of 0.00047 within the Non-Finnish European subpopulation in the gnomAD database. The observed variant frequency within Non-Finnish European control individuals in the gnomAD database is approximately 1.2 fold of the estimated maximal expected allele frequency for a pathogenic variant in TTN causing Dilated Cardiomyopathy phenotype (0.00039). c.49508T>C has been reported in the literature in individuals affected with sudden cardiac death (example, Hertz_2016). To our knowledge, no experimental evidence demonstrating an impact on protein function has been reported. The following publication has been ascertained in the context of this evaluation (PMID: 26383259). ClinVar contains an entry for this variant (Variation ID: 47118). Based on the evidence outlined above, the variant was classified as likely benign.

Blueprint Genetics
Classification: Likely benign. Last evaluated: 2024-11-08. Review status: criteria provided, single submitter. Criteria: ACMG Guidelines, 2015. Collection method: clinical testing. Allele origin: germline.

ARUP Laboratories, Molecular Genetics and Genomics, ARUP Laboratories
Classification: Uncertain significance. Last evaluated: 2022-04-04. Review status: criteria provided, single submitter. Criteria: ARUP Molecular Germline Variant Investigation Process 2021. Collection method: clinical testing. Allele origin: germline.
Comment: The TTN c.57212T>C; p.Ile19071Thr variant (rs200001206; ClinVar Variation ID:47118) is rare in the general population (<0.2% allele frequency in the Genome Aggregation Database) and has not been reported in the medical literature in association with dilated cardiomyopathy (DCM) or other TTN-related disease. The clinical relevance of rare missense variants in this gene, which are identified on average once per individual sequenced in affected populations (Herman 2012), is not well understood. Yet, evidence suggests that the vast majority of such missense variants do not contribute to the clinical outcome of DCM (Begay 2015). Thus, the clinical significance of the p.Ile19071Thr variant cannot be determined with certainty. References: Begay RL et al. Role of Titin Missense Variants in Dilated Cardiomyopathy. J Am Heart Assoc. 2015 Nov 13;4(11). PMID: 26567375. Herman DS et al. Truncations of titin causing dilated cardiomyopathy. N Engl J Med. 2012 Feb 16;366(7):619-28. PMID: 22335739. Linke WA and Hamdani N. Gigantic business: titin properties and function through thick and thin. Circ Res 2014; 114(6): 1052-1068. PMID: 24625729.

CHEO Genetics Diagnostic Laboratory, Children's Hospital of Eastern Ontario
Classification: Likely benign for Cardiomyopathy. Last evaluated: 2021-08-18. Review status: criteria provided, single submitter. Criteria: ACMG Guidelines, 2015. Collection method: clinical testing. Allele origin: germline.

Ambry Genetics
Classification: Uncertain significance for Cardiovascular phenotype. Last evaluated: 2019-11-12. Review status: criteria provided, single submitter. Criteria: Ambry Variant Classification Scheme 2023. Collection method: clinical testing. Allele origin: germline.
Comment: The p.I10006T variant (also known as c.30017T>C), located in coding exon 120 of the TTN gene, results from a T to C substitution at nucleotide position 30017. The isoleucine at codon 10006 is replaced by threonine, an amino acid with similar properties. This amino acid position is not well conserved in available vertebrate species. In addition, this alteration is predicted to be tolerated by in silico analysis. Since supporting evidence is limited at this time, the clinical significance of this alteration remains unclear.

Athena Diagnostics
Classification: Likely benign. Last evaluated: 2019-05-29. Review status: criteria provided, single submitter. Criteria: Athena Diagnostics Criteria. Collection method: clinical testing. Allele origin: germline.

Eurofins Ntd Llc (ga)
Classification: Uncertain significance. Last evaluated: 2018-05-10. Review status: criteria provided, single submitter. Criteria: EGL ClinVar v180209 classification definitions. Collection method: clinical testing. Allele origin: germline. Observed: 3 variant alleles, 3 heterozygotes.

Labcorp Genetics (formerly Invitae), Labcorp
Classification: Uncertain significance for Dilated cardiomyopathy 1G; Autosomal recessive limb-girdle muscular dystrophy type 2J. Last evaluated: 2017-09-25. Review status: criteria provided, single submitter. Criteria: Invitae Variant Classification Sherloc (09022015). Collection method: clinical testing. Allele origin: germline.

Biesecker Lab/Clinical Genomics Section, National Institutes of Health
Classification: Uncertain significance. Last evaluated: 2013-06-24. Review status: criteria provided, single submitter. Criteria: Ng et al. (Circ Cardiovasc Genet. 2013). Collection method: research. Allele origin: unknown. Observed: 1 variant allele. Study: ClinSeq.
Comment: The study set was not selected for affection status in relation to any cancer. Pathogenicity categories were based on literature curation. See Pubmed ID:23861362 for details.

Medical sequencing

Laboratory for Molecular Medicine, Mass General Brigham Personalized Medicine
Classification: Uncertain significance. Last evaluated: 2012-05-31. Review status: criteria provided, single submitter. Criteria: LMM Criteria. Collection method: clinical testing. Allele origin: germline. Observed: 1 variant allele.
Comment: The Ile16503Thr variant in TTN has been identified in 1/3071 African American ch romosomes from a broad population by the NHLBI Exome Sequencing Project. This frequency is insufficient to rule out pathogeni city as this may have been a presymptomatic individual. Isoleucine (Ile) at posi tion 16503 is not well conserved in evolution, suggesting that a change may be t olerated though this is not predictive enough to rule out pathogenicity. Other computational analyses (biochemical amino acid properties, AlignGVGD, PolyPhen2, and SIFT) do not provide strong support for or against an impact to the protein . Additional information is needed to fully assess the clinical significance of the Ile16503Thr variant.

Clinical Genetics, Academic Medical Center
Classification: Likely benign. Review status: no assertion criteria provided. Collection method: clinical testing. Allele origin: germline. Affected: yes. Study: VKGL Data-share Consensus. Not counted in ClinVar's aggregate classification.

Diagnostic Laboratory, Department of Genetics, University Medical Center Groningen
Classification: Likely benign. Review status: no assertion criteria provided. Collection method: clinical testing. Allele origin: germline. Affected: yes. Study: VKGL Data-share Consensus. Not counted in ClinVar's aggregate classification.

Genome Diagnostics Laboratory, University Medical Center Utrecht
Classification: Likely benign. Review status: no assertion criteria provided. Collection method: clinical testing. Allele origin: germline. Affected: yes. Study: VKGL Data-share Consensus. Not counted in ClinVar's aggregate classification.

Joint Genome Diagnostic Labs from Nijmegen and Maastricht, Radboudumc and MUMC+
Classification: Likely benign. Review status: no assertion criteria provided. Collection method: clinical testing. Allele origin: germline. Affected: yes. Study: VKGL Data-share Consensus. Not counted in ClinVar's aggregate classification.

Literature cited by the submitters: PubMed 26383259 (cited by Women's Health and Genetics/Laboratory Corporation of America, LabCorp).

NM_001267550.2(TTN):c.57212T>C (p.Ile19071Thr)

Genes: TTN (titin; minus strand), TTN-AS1 (TTN antisense RNA 1; plus strand). Cytogenetic location: 2q31.2.
Variant type: single nucleotide variant.
Coding change: c.57212T>C on transcript NM_001267550.2 (MANE Select); coding-DNA position 57212, T replaced by C.
Protein change: p.Ile19071Thr; replaces isoleucine 19071 with threonine.
Molecular consequence: missense variant.
Genome position (GRCh38, 1-based): chr2:178,597,958, A>G on the plus strand (T>C on the coding strand, the complement: TTN is on the minus strand). VCF-style: chr2-178597958-A-G. GRCh37 (hg19) VCF-style: chr2-179462685-A-G.
Other names: p.I17430T:ATT>ACT; c.52289T>C, p.Ile17430Thr (NM_001256850.1); c.30017T>C, p.Ile10006Thr (NM_003319.4); c.49508T>C, p.Ile16503Thr (NM_133378.4); c.30392T>C, p.Ile10131Thr (NM_133432.3); c.30593T>C, p.Ile10198Thr (NM_133437.4); short protein forms I19071T, I16503T, I17430T, I10131T, I10198T, I10006T.
Identifiers: ClinVar variation 47118 (VCV000047118.58), dbSNP rs200001206, ClinGen allele CA140058.